The following is an entry in ClinVar:

NM_001032283.3(TMPO):c.565+1729T>G

Gene: TMPO (thymopoietin; plus strand). Cytogenetic location: 12q23.1.
Variant type: single nucleotide variant.
Coding change: c.565+1729T>G on transcript NM_001032283.3 (MANE Select); 1729 bases into the intron after coding-DNA position 565, T replaced by G.
Molecular consequence: intron variant. On other transcripts: missense variant (1).
Genome position (GRCh38, 1-based): chr12:98,533,567, T>G. VCF-style: chr12-98533567-T-G. GRCh37 (hg19) VCF-style: chr12-98927345-T-G.
Other names: c.1310T>G, p.Val437Gly (NM_003276.2); c.565+1729T>G (NM_001307975.2, NM_001032284.3); short protein forms V437G.
Identifiers: ClinVar variation 2447965 (VCV002447965.2), dbSNP rs2548503970, ClinGen allele CA386152918.

ClinVar aggregate classification (germline): Uncertain significance (1 of 4 stars; one submission).

Submission:

Ambry Genetics
Classification: Uncertain significance. Last evaluated: 2022-12-06. Review status: criteria provided, single submitter. Criteria: Ambry Variant Classification Scheme 2023. Collection method: clinical testing. Allele origin: germline.
Comment: The p.V437G variant (also known as c.1310T>G), located in coding exon 4 of the TMPO gene, results from a T to G substitution at nucleotide position 1310. The valine at codon 437 is replaced by glycine, an amino acid with dissimilar properties. This amino acid position is conserved. In addition, this alteration is predicted to be tolerated by in silico analysis. Since supporting evidence is limited at this time, the clinical significance of this alteration remains unclear.